The following is an entry in ClinVar:

ClinVar aggregate classification (germline): Uncertain significance. Review status: criteria provided, multiple submitters, no conflicts (2 of 4 stars). 2 submissions from 2 submitters: Uncertain significance (2). Last evaluated 2024-05-02.

Conditions:
Mowat-Wilson syndrome (MOWS). Also called: Classic Mowat-Wilson Syndrome. Identifiers: Orphanet 2152, MedGen C1856113, MONDO:0009341, OMIM 235730.

Allele frequency attached by ClinVar (database versions not stated): gnomAD exomes below 0.00001; gnomAD 0.00001; TOPMed 0.00001.
gnomAD v4.1: 6 of 1,613,768 alleles (0.00037%); highest among the groups gnomAD compares: South Asian, 0.0022%; no homozygotes.

Submissions (2):

Labcorp Genetics (formerly Invitae), Labcorp
Classification: Uncertain significance for Mowat-Wilson syndrome. Last evaluated: 2024-05-02. Review status: criteria provided, single submitter. Criteria: Invitae Variant Classification Sherloc (09022015). Collection method: clinical testing. Allele origin: germline.
Comment: This sequence change replaces threonine, which is neutral and polar, with asparagine, which is neutral and polar, at codon 367 of the ZEB2 protein (p.Thr367Asn). This variant is present in population databases (no rsID available, gnomAD 0.003%). This variant has not been reported in the literature in individuals affected with ZEB2-related conditions. ClinVar contains an entry for this variant (Variation ID: 1676784). Advanced modeling of protein sequence and biophysical properties (such as structural, functional, and spatial information, amino acid conservation, physicochemical variation, residue mobility, and thermodynamic stability) performed at Invitae indicates that this missense variant is not expected to disrupt ZEB2 protein function with a negative predictive value of 80%. In summary, the available evidence is currently insufficient to determine the role of this variant in disease. Therefore, it has been classified as a Variant of Uncertain Significance.

Centre of Medical Genetics, University Hospital Muenster
Classification: Uncertain significance for Mowat-Wilson syndrome. Last evaluated: 2022-03-31. Review status: criteria provided, single submitter. Criteria: ACMG Guidelines, 2015. Collection method: clinical testing. Allele origin: germline. Affected: yes. Observed: 1 variant allele, 1 heterozygote.
Comment: ACMG categories: PM1,PM2,BP1

NM_014795.4(ZEB2):c.1100C>A (p.Thr367Asn)

Gene: ZEB2 (zinc finger E-box binding homeobox 2; minus strand). Cytogenetic location: 2q22.3.
Variant type: single nucleotide variant.
Coding change: c.1100C>A on transcript NM_014795.4 (MANE Select); coding-DNA position 1100, C replaced by A.
Protein change: p.Thr367Asn; replaces threonine 367 with asparagine.
Molecular consequence: missense variant.
Genome position (GRCh38, 1-based): chr2:144,400,087, G>T on the plus strand (C>A on the coding strand, the complement: ZEB2 is on the minus strand). VCF-style: chr2-144400087-G-T. GRCh37 (hg19) VCF-style: chr2-145157654-G-T.
Other names: c.1028C>A, p.Thr343Asn (NM_001171653.2); short protein forms T343N, T367N.
Identifiers: ClinVar variation 1676784 (VCV001676784.7), dbSNP rs1180969206, ClinGen allele CA348712615.